The following is an entry in ClinVar:

NM_016203.4(PRKAG2):c.882T>C (p.Phe294=)

Gene: PRKAG2 (protein kinase AMP-activated non-catalytic subunit gamma 2; minus strand). Cytogenetic location: 7q36.1.
Variant type: single nucleotide variant.
Coding change: c.882T>C on transcript NM_016203.4 (MANE Select); coding-DNA position 882, T replaced by C.
Protein change: p.Phe294=; no amino-acid change (phenylalanine 294 retained).
Molecular consequence: synonymous variant.
Genome position (GRCh38, 1-based): chr7:151,576,435, A>G on the plus strand (T>C on the coding strand, the complement: PRKAG2 is on the minus strand). VCF-style: chr7-151576435-A-G. GRCh37 (hg19) VCF-style: chr7-151273521-A-G.
Other names: c.750T>C, p.Phe250= (NM_001040633.2); c.507T>C, p.Phe169= (NM_001304527.2); c.159T>C, p.Phe53= (NM_001304531.2, NM_024429.2); c.510T>C, p.Phe170= (NM_001363698.2).
Identifiers: ClinVar variation 508291 (VCV000508291.2), dbSNP rs1554465561, ClinGen allele CA458670627.

ClinVar aggregate classification (germline): Likely benign. Review status: criteria provided, multiple submitters, no conflicts (2 of 4 stars). 2 submissions from 2 submitters: Likely benign (2). Last evaluated 2024-02-22.

Conditions:
Hypertrophic cardiomyopathy. Also called: HYPERTROPHIC MYOCARDIOPATHY. Identifiers: Orphanet 217569, MedGen C0007194, MeSH D002312, MONDO:0005045, HP:0001639.

gnomAD v4.1: 1 of 1,607,258 alleles (0.000062%); highest among the groups gnomAD compares: Non-Finnish European, 0.000085%; no homozygotes.

Submissions (2):

All of Us Research Program, National Institutes of Health
Classification: Likely benign for Hypertrophic cardiomyopathy. Last evaluated: 2024-02-22. Review status: criteria provided, single submitter. Criteria: ACMG Guidelines, 2015. Collection method: clinical testing. Allele origin: germline. Inheritance: Autosomal dominant inheritance. Observed: 1 variant allele, 1 heterozygote.
Comment: This study involves interpretation of variants in research participants for the purpose of population health screening. Participant phenotype was not available at the time of variant classification. Additional details can be found in publication PMID: 35346344, PMCID: PMC8962531

GeneDx
Classification: Likely benign. Last evaluated: 2017-03-27. Review status: criteria provided, single submitter. Criteria: GeneDx Variant Classification (06012015). Collection method: clinical testing. Allele origin: germline. Affected: yes.
Comment: This variant is considered likely benign or benign based on one or more of the following criteria: it is a conservative change, it occurs at a poorly conserved position in the protein, it is predicted to be benign by multiple in silico algorithms, and/or has population frequency not consistent with disease.